The following is an entry in ClinVar:

ClinVar aggregate classification (germline): Uncertain significance. Review status: criteria provided, multiple submitters, no conflicts (2 of 4 stars). 2 submissions from 2 submitters: Uncertain significance (2). Last evaluated 2025-01-20.

Conditions:
Pulmonary fibrosis and/or bone marrow failure, Telomere-related, 3. Also called: PULMONARY FIBROSIS AND/OR BONE MARROW FAILURE SYNDROME, TELOMERE-RELATED, 3. Identifiers: Orphanet 2032, MedGen C4225346, MONDO:0014613, OMIM 616373.
Dyskeratosis congenita, autosomal recessive 5 (DKCB5). Identifiers: MedGen C3554656, MONDO:0014076, OMIM 615190.
Inborn genetic diseases. Identifiers: MedGen C0950123, MeSH D030342.

Allele frequency attached by ClinVar (database versions not stated): gnomAD exomes 0.00001; ExAC 0.00002.
gnomAD v4.1: 21 of 1,608,056 alleles (0.0013%); highest among the groups gnomAD compares: African/African-American, 0.0053%; no homozygotes.

Submissions (2):

Ambry Genetics
Classification: Uncertain significance for Inborn genetic diseases. Last evaluated: 2025-01-20. Review status: criteria provided, single submitter. Criteria: Ambry Variant Classification Scheme 2023. Collection method: clinical testing. Allele origin: germline.
Comment: The p.R762Q variant (also known as c.2285G>A), located in coding exon 25 of the RTEL1 gene, results from a G to A substitution at nucleotide position 2285. The arginine at codon 762 is replaced by glutamine, an amino acid with highly similar properties. This amino acid position is conserved. In addition, this alteration is predicted to be tolerated by in silico analysis. Based on the available evidence, the clinical significance of this variant remains unclear.

Labcorp Genetics (formerly Invitae), Labcorp
Classification: Uncertain significance for Dyskeratosis congenita, autosomal recessive 5; Pulmonary fibrosis and/or bone marrow failure, Telomere-related, 3. Last evaluated: 2022-09-27. Review status: criteria provided, single submitter. Criteria: Invitae Variant Classification Sherloc (09022015). Collection method: clinical testing. Allele origin: germline.
Comment: This sequence change replaces arginine, which is basic and polar, with glutamine, which is neutral and polar, at codon 762 of the RTEL1 protein (p.Arg762Gln). This variant is present in population databases (rs759789479, gnomAD 0.003%). This variant has not been reported in the literature in individuals affected with RTEL1-related conditions. Algorithms developed to predict the effect of missense changes on protein structure and function output the following: SIFT: "Tolerated"; PolyPhen-2: "Benign"; Align-GVGD: "Class C0". The glutamine amino acid residue is found in multiple mammalian species, which suggests that this missense change does not adversely affect protein function. Algorithms developed to predict the effect of sequence changes on RNA splicing suggest that this variant may create or strengthen a splice site. In summary, the available evidence is currently insufficient to determine the role of this variant in disease. Therefore, it has been classified as a Variant of Uncertain Significance.

NM_001283009.2(RTEL1):c.2285G>A (p.Arg762Gln)

Genes: RTEL1 (regulator of telomere elongation helicase 1; plus strand), RTEL1-TNFRSF6B (RTEL1-TNFRSF6B readthrough (NMD candidate); plus strand). Cytogenetic location: 20q13.33.
Variant type: single nucleotide variant.
Coding change: c.2285G>A on transcript NM_001283009.2 (MANE Select); coding-DNA position 2285, G replaced by A.
Protein change: p.Arg762Gln; replaces arginine 762 with glutamine.
Molecular consequence: missense variant. On other transcripts: non-coding transcript variant (1).
Genome position (GRCh38, 1-based): chr20:63,690,313, G>A. VCF-style: chr20-63690313-G-A. GRCh37 (hg19) VCF-style: chr20-62321666-G-A.
Other names: c.1616G>A, p.Arg539Gln (NM_001283010.1); c.2285G>A, p.Arg762Gln (NM_016434.4); c.2357G>A, p.Arg786Gln (NM_032957.5); short protein forms R762Q, R539Q, R786Q.
Identifiers: ClinVar variation 2181205 (VCV002181205.2), dbSNP rs759789479, ClinGen allele CA9965273.